The following is an entry in ClinVar:

NM_001377.3(DYNC2H1):c.3096+282T>C

Gene: DYNC2H1 (dynein cytoplasmic 2 heavy chain 1; plus strand). Cytogenetic location: 11q22.3.
Variant type: single nucleotide variant.
Coding change: c.3096+282T>C on transcript NM_001377.3 (MANE Select); 282 bases into the intron after coding-DNA position 3096, T replaced by C.
Molecular consequence: intron variant.
Genome position (GRCh38, 1-based): chr11:103,152,567, T>C. VCF-style: chr11-103152567-T-C. GRCh37 (hg19) VCF-style: chr11-103023296-T-C.
Other names: c.3096+282T>C (NM_001080463.2).
Identifiers: ClinVar variation 672811 (VCV000672811.1), dbSNP rs140498463, ClinGen allele CA227417254.

ClinVar aggregate classification (germline): Benign (1 of 4 stars; one submission).

Allele frequency attached by ClinVar (database versions not stated): 1000 Genomes Project 30x 0.01171; 1000 Genomes Project 0.01298; TOPMed 0.01600; gnomAD 0.02494 and 0.02566.
gnomAD v4.1: 3,785 of 152,262 alleles (2.5%); highest among the groups gnomAD compares: Middle Eastern, 3.7%; 111 homozygotes.

Submission:

GeneDx
Classification: Benign. Last evaluated: 2018-06-14. Review status: criteria provided, single submitter. Criteria: GeneDx Variant Classification (06012015). Collection method: clinical testing. Allele origin: germline. Affected: yes.
Comment: This variant is considered likely benign or benign based on one or more of the following criteria: it is a conservative change, it occurs at a poorly conserved position in the protein, it is predicted to be benign by multiple in silico algorithms, and/or has population frequency not consistent with disease.